The following is an entry in ClinVar:

NM_001365951.3(KIF1B):c.2450A>T (p.Asp817Val)

Gene: KIF1B (kinesin family member 1B; plus strand). Cytogenetic location: 1p36.22.
Variant type: single nucleotide variant.
Coding change: c.2450A>T on transcript NM_001365951.3 (MANE Select); coding-DNA position 2450, A replaced by T.
Protein change: p.Asp817Val; replaces aspartic acid 817 with valine.
Molecular consequence: missense variant.
Genome position (GRCh38, 1-based): chr1:10,323,975, A>T. VCF-style: chr1-10323975-A-T. GRCh37 (hg19) VCF-style: chr1-10384033-A-T.
Other names: c.2450A>T, p.Asp817Val (NM_001365952.1); c.2312A>T, p.Asp771Val (NM_015074.3); short protein forms D771V, D817V.
Identifiers: ClinVar variation 3864099 (VCV003864099.1).

ClinVar aggregate classification (germline): Uncertain significance (1 of 4 stars; one submission).

Submission:

Ambry Genetics
Classification: Uncertain significance. Last evaluated: 2025-02-15. Review status: criteria provided, single submitter. Criteria: Ambry Variant Classification Scheme 2023. Collection method: clinical testing. Allele origin: germline.
Comment: The p.D771V variant (also known as c.2312A>T), located in coding exon 22 of the KIF1B gene, results from an A to T substitution at nucleotide position 2312. The aspartic acid at codon 771 is replaced by valine, an amino acid with highly dissimilar properties. This amino acid position is conserved. In addition, this alteration is predicted to be tolerated by in silico analysis. Based on the available evidence, the clinical significance of this variant remains unclear.